The following is an entry in ClinVar:

NM_006907.4(PYCR1):c.798-1G>A

Gene: PYCR1 (pyrroline-5-carboxylate reductase 1; minus strand). Cytogenetic location: 17q25.3.
Variant type: single nucleotide variant.
Coding change: c.798-1G>A on transcript NM_006907.4 (MANE Select); the canonical splice acceptor site of the intron before coding-DNA position 798, G replaced by A.
Molecular consequence: splice acceptor variant.
Genome position (GRCh38, 1-based): chr17:81,933,377, C>T on the plus strand (G>A on the coding strand, the complement: PYCR1 is on the minus strand). VCF-style: chr17-81933377-C-T. GRCh37 (hg19) VCF-style: chr17-79891253-C-T.
Other names: c.705-1G>A (NM_001282279.2); c.634-1G>A (NM_001330523.2); c.798-1G>A (NM_001282280.2, NM_153824.3); c.879-1G>A (NM_001282281.2).
Identifiers: ClinVar variation 392367 (VCV000392367.2), dbSNP rs1057524460, ClinGen allele CA16607536.

ClinVar aggregate classification (germline): Likely pathogenic (1 of 4 stars; one submission).

Submission:

GeneDx
Classification: Likely pathogenic. Last evaluated: 2017-01-05. Review status: criteria provided, single submitter. Criteria: GeneDx Variant Classification (06012015). Collection method: clinical testing. Allele origin: germline. Affected: yes.
Comment: Although the c.798-1 G>A variant has not been reported as a pathogenic variant or as a benign variant to ourknowledge. This variant destroys the canonical splice acceptor site in intron 6, the last intron of the gene, and ispredicted to cause abnormal splicing. In addition to destroying the canonical splice acceptor site, c.798-1 G>A createsa new potential splice acceptor site that, if used, would result in a translational frameshift in the last exon of the gene.This variant may lead to either an abnormal truncated protein product or loss of expression of this allele, if the mRNAor protein is unstable. In the absence of functional studies, though, the physiological consequence of this variantcannot be precisely determined. The c.798-1 G>A variant was not observed in approximately 6,500 individuals ofEuropean and African American ancestry in the NHLBI Exome Sequencing Project, indicating it is not a commonbenign variant in these populations. Additionally, splice site variants in the PYCR1 gene have been reported inHGMD in association with cutis laxa (Stenson et al., 2014). Nevertheless, this variant lacks observation in asignificant number of affected individuals, segregation data, and functional evidence, which would further clarify itspathogenicity.Therefore, c.798-1 G>A in the PYCR1 gene is interpreted as a likely pathogenic variant. As disorders due topathogenic variants in the PYCR1 gene are autosomal recessive, it is expected that an affected individual wouldharbor pathogenic variants in both alleles of this gene (in trans). However, no second pathogenic variant was identifiedby this sequence and deletion/duplication analysis. This result cannot be interpreted for diagnosis or used for familymember screening at this time.